The following is an entry in ClinVar:

NM_000098.3(CPT2):c.1013T>C (p.Leu338Ser)

Gene: CPT2 (carnitine palmitoyltransferase 2; plus strand). Cytogenetic location: 1p32.3.
Variant type: single nucleotide variant.
Coding change: c.1013T>C on transcript NM_000098.3 (MANE Select); coding-DNA position 1013, T replaced by C.
Protein change: p.Leu338Ser; replaces leucine 338 with serine.
Molecular consequence: missense variant.
Genome position (GRCh38, 1-based): chr1:53,210,687, T>C. VCF-style: chr1-53210687-T-C. GRCh37 (hg19) VCF-style: chr1-53676359-T-C.
Other names: c.1013T>C, p.Leu338Ser (NM_001330589.2); short protein forms L338S.
Identifiers: ClinVar variation 648564 (VCV000648564.4), dbSNP rs961059441, ClinGen allele CA22638851.

ClinVar aggregate classification (germline): Uncertain significance (1 of 4 stars; one submission).

Conditions:
Carnitine palmitoyltransferase II deficiency. Also called: Carnitine Palmitoyltransferase 2 Deficiency. Identifiers: Orphanet 157, MedGen C0342790, MONDO:0015515.

Allele frequency attached by ClinVar (database versions not stated): gnomAD exomes below 0.00001; gnomAD 0.00001; TOPMed 0.00001.
gnomAD v4.1: 4 of 1,614,072 alleles (0.00025%); highest among the groups gnomAD compares: African/African-American, 0.0053%; no homozygotes.

Submission:

Labcorp Genetics (formerly Invitae), Labcorp
Classification: Uncertain significance for Carnitine palmitoyltransferase II deficiency. Last evaluated: 2021-11-18. Review status: criteria provided, single submitter. Criteria: Invitae Variant Classification Sherloc (09022015). Collection method: clinical testing. Allele origin: germline.
Comment: This sequence change replaces leucine, which is neutral and non-polar, with serine, which is neutral and polar, at codon 338 of the CPT2 protein (p.Leu338Ser). This variant is present in population databases (no rsID available, gnomAD 0.007%). This missense change has been observed in individual(s) with clinical features of CPT2-related¬†conditions (Invitae). In at least one individual the data is consistent with the variant being in trans (on the opposite chromosome) from a pathogenic variant. ClinVar contains an entry for this variant (Variation ID: 648564). Advanced modeling of protein sequence and biophysical properties (such as structural, functional, and spatial information, amino acid conservation, physicochemical variation, residue mobility, and thermodynamic stability) performed at Invitae indicates that this missense variant is not expected to disrupt CPT2 protein function. In summary, the available evidence is currently insufficient to determine the role of this variant in disease. Therefore, it has been classified as a Variant of Uncertain Significance.